The following is an entry in ClinVar:

ClinVar aggregate classification (germline): Likely benign. Review status: criteria provided, multiple submitters, no conflicts (2 of 4 stars). 3 submissions from 3 submitters: Likely benign (3). Last evaluated 2025-11-18.

Allele frequency attached by ClinVar (database versions not stated): gnomAD 0.00003; gnomAD exomes 0.00004; TOPMed 0.00006; ESP Exome Variant Server 0.00008; ExAC 0.00011.
gnomAD v4.1: 64 of 1,614,002 alleles (0.004%); highest among the groups gnomAD compares: Admixed American, 0.028%; no homozygotes.

Submissions (3):

Labcorp Genetics (formerly Invitae), Labcorp
Classification: Likely benign. Last evaluated: 2025-11-18. Review status: criteria provided, single submitter. Criteria: Invitae Variant Classification Sherloc (09022015). Collection method: clinical testing. Allele origin: germline.

CeGaT Center for Human Genetics Tuebingen
Classification: Likely benign. Last evaluated: 2024-06-01. Review status: criteria provided, single submitter. Criteria: CeGaT Center For Human Genetics Tuebingen Variant Classification Criteria Version 2. Collection method: clinical testing. Allele origin: germline. Affected: yes. Observed: 1 variant allele.
Comment: STAMBP: BP4, BP7

Blueprint Genetics
Classification: Likely benign. Last evaluated: 2024-04-22. Review status: criteria provided, single submitter. Criteria: ACMG Guidelines, 2015. Collection method: clinical testing. Allele origin: germline.

NM_213622.4(STAMBP):c.186C>G (p.Leu62=)

Genes: STAMBP (STAM binding protein; plus strand), LOC126806253 (CDK7 strongly-dependent group 2 enhancer GRCh37_chr2:74057585-74058784; plus strand). Cytogenetic location: 2p13.1.
Variant type: single nucleotide variant.
Coding change: c.186C>G on transcript NM_213622.4 (MANE Select); coding-DNA position 186, C replaced by G.
Protein change: p.Leu62=; no amino-acid change (leucine 62 retained).
Molecular consequence: synonymous variant. On other transcripts: 5 prime UTR variant (5), non-coding transcript variant (4), intron variant (1).
Genome position (GRCh38, 1-based): chr2:73,831,042, C>G. VCF-style: chr2-73831042-C-G. GRCh37 (hg19) VCF-style: chr2-74058169-C-G.
Other names: c.186C>G, p.Leu62= (NM_001353967.2, NM_001353968.2, NM_001353969.2 and 3 more transcripts); c.-368C>G (NM_001353971.2, NM_001353973.2, NM_001353974.2 and 2 more transcripts); c.-203+2046C>G (NM_001353972.2).
Identifiers: ClinVar variation 2198812 (VCV002198812.23), dbSNP rs146522134, ClinGen allele CA1717450.